The following is an entry in ClinVar:

NM_033118.4(MYLK2):c.517G>A (p.Glu173Lys)

Gene: MYLK2 (myosin light chain kinase 2; plus strand). Cytogenetic location: 20q11.21.
Variant type: single nucleotide variant.
Coding change: c.517G>A on transcript NM_033118.4 (MANE Select); coding-DNA position 517, G replaced by A.
Protein change: p.Glu173Lys; replaces glutamic acid 173 with lysine.
Molecular consequence: missense variant.
Genome position (GRCh38, 1-based): chr20:31,821,482, G>A. VCF-style: chr20-31821482-G-A. GRCh37 (hg19) VCF-style: chr20-30409285-G-A.
Other names: short protein forms E173K.
Identifiers: ClinVar variation 3228200 (VCV003228200.1), dbSNP rs2515452300, ClinGen allele CA408525777.

ClinVar aggregate classification (germline): Uncertain significance (1 of 4 stars; one submission).

Submission:

Ambry Genetics
Classification: Uncertain significance. Last evaluated: 2024-01-07. Review status: criteria provided, single submitter. Criteria: Ambry Variant Classification Scheme 2023. Collection method: clinical testing. Allele origin: germline.
Comment: The p.E173K variant (also known as c.517G>A), located in coding exon 3 of the MYLK2 gene, results from a G to A substitution at nucleotide position 517. The glutamic acid at codon 173 is replaced by lysine, an amino acid with similar properties. This amino acid position is conserved. In addition, this alteration is predicted to be tolerated by in silico analysis. Since supporting evidence is limited at this time, the clinical significance of this alteration remains unclear.